The following is an entry in ClinVar:

NM_004385.5(VCAN):c.905C>G (p.Ala302Gly)

Gene: VCAN (versican; plus strand). Cytogenetic location: 5q14.3.
Variant type: single nucleotide variant.
Coding change: c.905C>G on transcript NM_004385.5 (MANE Select); coding-DNA position 905, C replaced by G.
Protein change: p.Ala302Gly; replaces alanine 302 with glycine.
Molecular consequence: missense variant.
Genome position (GRCh38, 1-based): chr5:83,512,259, C>G. VCF-style: chr5-83512259-C-G. GRCh37 (hg19) VCF-style: chr5-82808078-C-G.
Other names: c.905C>G, p.Ala302Gly (NM_001126336.3, NM_001164097.2, NM_001164098.2); short protein forms A302G.
Identifiers: ClinVar variation 3188352 (VCV003188352.2), dbSNP rs748822141, ClinGen allele CA360298165.

ClinVar aggregate classification (germline): Uncertain significance. Review status: criteria provided, multiple submitters, no conflicts (2 of 4 stars). 2 submissions from 2 submitters: Uncertain significance (2). Last evaluated 2025-09-16.

Conditions:
Inborn genetic diseases. Identifiers: MedGen C0950123, MeSH D030342.

Allele frequency attached by ClinVar (database versions not stated): TOPMed below 0.00001; gnomAD 0.00001.

Submissions (2):

Labcorp Genetics (formerly Invitae), Labcorp
Classification: Uncertain significance. Last evaluated: 2025-09-16. Review status: criteria provided, single submitter. Criteria: Invitae Variant Classification Sherloc (09022015). Collection method: clinical testing. Allele origin: germline.
Comment: This sequence change replaces alanine, which is neutral and non-polar, with glycine, which is neutral and non-polar, at codon 302 of the VCAN protein (p.Ala302Gly). This variant is not present in population databases (gnomAD no frequency). This variant has not been reported in the literature in individuals affected with VCAN-related conditions. ClinVar contains an entry for this variant (Variation ID: 3188352). An algorithm developed to predict the effect of missense changes on protein structure and function outputs the following: PolyPhen-2: "Benign". The glycine amino acid residue is found in multiple mammalian species, which suggests that this missense change does not adversely affect protein function. In summary, the available evidence is currently insufficient to determine the role of this variant in disease. Therefore, it has been classified as a Variant of Uncertain Significance.

Ambry Genetics
Classification: Uncertain significance for Inborn genetic diseases. Last evaluated: 2023-09-22. Review status: criteria provided, single submitter. Criteria: Ambry Variant Classification Scheme 2023. Collection method: clinical testing. Allele origin: germline.